The following is an entry in ClinVar:

NM_017780.4(CHD7):c.2644G>A (p.Val882Met)

Gene: CHD7 (chromodomain helicase DNA binding protein 7; plus strand). Cytogenetic location: 8q12.2.
Variant type: single nucleotide variant.
Coding change: c.2644G>A on transcript NM_017780.4 (MANE Select); coding-DNA position 2644, G replaced by A.
Protein change: p.Val882Met; replaces valine 882 with methionine.
Molecular consequence: missense variant. On other transcripts: intron variant (1).
Genome position (GRCh38, 1-based): chr8:60,820,037, G>A. VCF-style: chr8-60820037-G-A. GRCh37 (hg19) VCF-style: chr8-61732596-G-A.
Other names: c.1716+38987G>A (NM_001316690.1); short protein forms V882M.
Identifiers: ClinVar variation 1712879 (VCV001712879.2), dbSNP rs2487792969, ClinGen allele CA371306726.

ClinVar aggregate classification (germline): Uncertain significance (1 of 4 stars; one submission).

Submission:

GeneDx
Classification: Uncertain significance. Last evaluated: 2022-04-25. Review status: criteria provided, single submitter. Criteria: GeneDx Variant Classification Process June 2021. Collection method: clinical testing. Allele origin: germline. Affected: yes.
Comment: Not observed at significant frequency in large population cohorts (gnomAD); In silico analysis supports that this missense variant has a deleterious effect on protein structure/function; Has not been previously published as pathogenic or benign to our knowledge